The following is an entry in ClinVar:

NM_006904.7(PRKDC):c.10283A>G (p.Glu3428Gly)

Gene: PRKDC (protein kinase, DNA-activated, catalytic subunit; minus strand). Cytogenetic location: 8q11.21.
Variant type: single nucleotide variant.
Coding change: c.10283A>G on transcript NM_006904.7 (MANE Select); coding-DNA position 10283, A replaced by G.
Protein change: p.Glu3428Gly; replaces glutamic acid 3428 with glycine.
Molecular consequence: missense variant.
Genome position (GRCh38, 1-based): chr8:47,799,224, T>C on the plus strand (A>G on the coding strand, the complement: PRKDC is on the minus strand). VCF-style: chr8-47799224-T-C. GRCh37 (hg19) VCF-style: chr8-48711785-T-C.
Other names: c.10283A>G, p.Glu3428Gly (NM_001081640.2); short protein forms E3428G.
Identifiers: ClinVar variation 1770024 (VCV001770024.2), dbSNP rs2551862690, ClinGen allele CA371135165.

ClinVar aggregate classification (germline): Uncertain significance (1 of 4 stars; one submission).

Submission:

Ambry Genetics
Classification: Uncertain significance. Last evaluated: 2021-07-09. Review status: criteria provided, single submitter. Criteria: Ambry Variant Classification Scheme 2023. Collection method: clinical testing. Allele origin: germline.
Comment: The p.E3428G variant (also known as c.10283A>G), located in coding exon 72 of the PRKDC gene, results from an A to G substitution at nucleotide position 10283. The glutamic acid at codon 3428 is replaced by glycine, an amino acid with similar properties. This amino acid position is conserved. Since supporting evidence is limited at this time, the clinical significance of this alteration remains unclear.